The following is an entry in ClinVar:

ClinVar aggregate classification (germline): Uncertain significance (1 of 4 stars; one submission).

Allele frequency attached by ClinVar (database versions not stated): gnomAD 0.00001; TOPMed 0.00001.

Submission:

Ambry Genetics
Classification: Uncertain significance. Last evaluated: 2021-06-27. Review status: criteria provided, single submitter. Criteria: Ambry Variant Classification Scheme 2023. Collection method: clinical testing. Allele origin: germline.
Comment: The p.G1156E variant (also known as c.3467G>A), located in coding exon 30 of the PRKDC gene, results from a G to A substitution at nucleotide position 3467. The glycine at codon 1156 is replaced by glutamic acid, an amino acid with similar properties. This amino acid position is conserved. In addition, the in silico prediction for this alteration is inconclusive. Since supporting evidence is limited at this time, the clinical significance of this alteration remains unclear.

NM_006904.7(PRKDC):c.3467G>A (p.Gly1156Glu)

Gene: PRKDC (protein kinase, DNA-activated, catalytic subunit; minus strand). Cytogenetic location: 8q11.21.
Variant type: single nucleotide variant.
Coding change: c.3467G>A on transcript NM_006904.7 (MANE Select); coding-DNA position 3467, G replaced by A.
Protein change: p.Gly1156Glu; replaces glycine 1156 with glutamic acid.
Molecular consequence: missense variant.
Genome position (GRCh38, 1-based): chr8:47,897,292, C>T on the plus strand (G>A on the coding strand, the complement: PRKDC is on the minus strand). VCF-style: chr8-47897292-C-T. GRCh37 (hg19) VCF-style: chr8-48809852-C-T.
Other names: c.3467G>A, p.Gly1156Glu (NM_001081640.2); short protein forms G1156E.
Identifiers: ClinVar variation 1731693 (VCV001731693.2), dbSNP rs2089597857, ClinGen allele CA371153938.